The following is an entry in ClinVar:

ClinVar aggregate classification (germline): Pathogenic. Review status: criteria provided, multiple submitters, no conflicts (2 of 4 stars). 4 submissions from 4 submitters: Pathogenic (4). Last evaluated 2025-11-19.

Conditions:
Neonatal encephalomyopathy-cardiomyopathy-respiratory distress syndrome. Also called: Coenzyme Q10 deficiency, primary, 7. Identifiers: Orphanet 457185, MedGen C5568562, MONDO:0014562, OMIM 616276.
Spastic ataxia 10, autosomal recessive (SPAX10). Identifiers: MedGen C5882738, MONDO:0958009, OMIM 620666.

Submissions (4):

Women's Health and Genetics/Laboratory Corporation of America, LabCorp
Classification: Pathogenic for Neonatal encephalomyopathy-cardiomyopathy-respiratory distress syndrome. Last evaluated: 2025-11-19. Review status: criteria provided, single submitter. Criteria: LabCorp Variant Classification Summary - May 2015. Collection method: clinical testing. Allele origin: germline.
Comment: Variant summary: COQ4 c.23_33del11 (p.Val8AlafsX19) results in a premature termination codon, predicted to cause a truncation of the encoded protein or absence of the protein due to nonsense mediated decay, which are commonly known mechanisms for disease. The variant allele was found at a frequency of 2.1e-05 in 195084 control chromosomes (gnomAD). c.23_33del11 has been observed in individuals affected with clinical features of primary Coenzyme Q deficiency (Sondheimer_2017, Alczar-Fabra_2025). These data indicate that the variant may be associated with disease. To our knowledge, no experimental evidence demonstrating an impact on protein function has been reported. The following publications have been ascertained in the context of this evaluation (PMID: 28540186, 34656997, 39759098). ClinVar contains an entry for this variant (Variation ID: 280320). Based on the evidence outlined above, the variant was classified as pathogenic.

Labcorp Genetics (formerly Invitae), Labcorp
Classification: Pathogenic for Neonatal encephalomyopathy-cardiomyopathy-respiratory distress syndrome. Last evaluated: 2025-02-20. Review status: criteria provided, single submitter. Criteria: Invitae Variant Classification Sherloc (09022015). Collection method: clinical testing. Allele origin: germline.
Comment: This sequence change creates a premature translational stop signal (p.Val8Alafs*19) in the COQ4 gene. It is expected to result in an absent or disrupted protein product. Loss-of-function variants in COQ4 are known to be pathogenic (PMID: 25658047). This variant is present in population databases (no rsID available, gnomAD 0.004%). This premature translational stop signal has been observed in individual(s) with coenzyme Q10 deficiency (PMID: 28540186). ClinVar contains an entry for this variant (Variation ID: 280320). For these reasons, this variant has been classified as Pathogenic.

Fulgent Genetics
Classification: Pathogenic for Neonatal encephalomyopathy-cardiomyopathy-respiratory distress syndrome; Spastic ataxia 10, autosomal recessive. Last evaluated: 2024-01-25. Review status: criteria provided, single submitter. Criteria: ACMG Guidelines, 2015. Collection method: clinical testing. Allele origin: germline.

GeneDx
Classification: Pathogenic. Last evaluated: 2022-08-19. Review status: criteria provided, single submitter. Criteria: GeneDx Variant Classification Process June 2021. Collection method: clinical testing. Allele origin: germline. Affected: yes.
Comment: Identified in an infant with CoQ10 deficiency who harbored a likely pathogenic variant on the opposite allele (in trans) (Sondheimer et al., 2017); Frameshift variant predicted to result in protein truncation or nonsense mediated decay in a gene for which loss-of-function is a known mechanism of disease; Not observed at significant frequency in large population cohorts (gnomAD); This variant is associated with the following publications: (PMID: 28540186)

Literature cited by the submitters: PubMed 34656997 (cited by Women's Health and Genetics/Laboratory Corporation of America, LabCorp); PubMed 39759098 (cited by Women's Health and Genetics/Laboratory Corporation of America, LabCorp); PubMed 28540186 (cited by Women's Health and Genetics/Laboratory Corporation of America, LabCorp and Labcorp Genetics (formerly Invitae), Labcorp); PubMed 25658047 (cited by Labcorp Genetics (formerly Invitae), Labcorp).

NM_016035.5(COQ4):c.23_33del (p.Val8fs)

Gene: COQ4 (coenzyme Q4; plus strand). Cytogenetic location: 9q34.11.
Variant type: Deletion.
Coding change: c.23_33del on transcript NM_016035.5 (MANE Select); coding-DNA positions 23 to 33, 11 bases deleted (TCCTCCGTCGG).
Protein change: p.Val8fs; shifts the reading frame from valine 8.
Molecular consequence: frameshift variant.
Genome position (GRCh38, 1-based): chr9:128,322,881-128,322,891, TCCTCCGTCGG deleted; deleting any 11 consecutive bases within chr9:128,322,880-128,322,891 gives the same sequence; the c. name uses the placement nearest the transcript's 3' end. VCF-style (leftmost placement, unchanged base first): chr9-128322879-TGTCCTCCGTCG-T. GRCh37 (hg19) VCF-style: chr9-131085158-TGTCCTCCGTCG-T.
Other names: c.23_33delTCCTCCGTCGG (NM_016035.3); c.23_33del11 (NM_016035.5); c.23_33del, p.Val8fs (NM_001305942.2); short protein forms V8fs.
Identifiers: ClinVar variation 280320 (VCV000280320.11), dbSNP rs886041549, ClinGen allele CA10603022.